The following is an entry in ClinVar:

ClinVar aggregate classification (germline): Benign/Likely benign. Review status: criteria provided, multiple submitters, no conflicts (2 of 4 stars). 2 submissions from 2 submitters: Benign (1); Likely benign (1). Last evaluated 2025-02-21.

Conditions:
Breast-ovarian cancer, familial, susceptibility to, 4. Identifiers: Orphanet 145, MedGen C3280345, MONDO:0013669, OMIM 614291.
Hereditary cancer-predisposing syndrome. Also called: Tumor predisposition; Hereditary neoplastic syndrome; Hereditary Cancer Syndrome; Neoplastic Syndromes, Hereditary. Identifiers: Orphanet 140162, MedGen C0027672, MeSH D009386, MONDO:0015356.

Submissions (2):

Myriad Genetics, Inc.
Classification: Benign for Breast-ovarian cancer, familial, susceptibility to, 4. Last evaluated: 2025-02-21. Review status: criteria provided, single submitter. Criteria: Myriad Autosomal Dominant, Autosomal Recessive and X-Linked Classification Criteria (2023). Collection method: clinical testing. Allele origin: unknown.
Comment: This variant is considered benign. This variant is a silent/synonymous amino acid change and it is not expected to impact splicing.

Ambry Genetics
Classification: Likely benign for Hereditary cancer-predisposing syndrome. Last evaluated: 2023-02-09. Review status: criteria provided, single submitter. Criteria: Ambry Variant Classification Scheme 2023. Collection method: clinical testing. Allele origin: germline.

NM_002878.4(RAD51D):c.342T>G (p.Thr114=)

Genes: RAD51L3-RFFL (RAD51L3-RFFL readthrough; minus strand), RAD51D (RAD51 paralog D; minus strand). Cytogenetic location: 17q12.
Variant type: single nucleotide variant.
Coding change: c.342T>G on transcript NM_002878.4 (MANE Select); coding-DNA position 342, T replaced by G.
Protein change: p.Thr114=; no amino-acid change (threonine 114 retained).
Molecular consequence: synonymous variant. On other transcripts: non-coding transcript variant (2), intron variant (1).
Genome position (GRCh38, 1-based): chr17:35,107,369, A>C on the plus strand (T>G on the coding strand, the complement: RAD51D is on the minus strand). VCF-style: chr17-35107369-A-C. GRCh37 (hg19) VCF-style: chr17-33434388-A-C.
Other names: c.402T>G, p.Thr134= (NM_001142571.2); c.145-888T>G (NM_133629.3).
Identifiers: ClinVar variation 3222881 (VCV003222881.2), dbSNP rs2142436422, ClinGen allele CA499731863.
Genomic context (GRCh38, chr17:35,107,369, plus strand): 5'-GCTATGCATCTACCACCCTCACCCCTAAATCCTCCTGACTGCTGGCCTCACATGTACCTG[A>C]GTTTTGCCGCTACCTGGGCCTCCTACAATTTCAGTCACTTCTCCAGTATAGAGACCAGCA-3'
Protein context (NP_002869.3, residues 104-124): EIVGGPGSGK[Thr114=]QVCLCMAANV